The following is an entry in ClinVar:

NM_003128.3(SPTBN1):c.148+32300G>A

Gene: SPTBN1 (spectrin beta, non-erythrocytic 1; plus strand). Cytogenetic location: 2p16.2.
Variant type: single nucleotide variant.
Coding change: c.148+32300G>A on transcript NM_003128.3 (MANE Select); 32300 bases into the intron after coding-DNA position 148, G replaced by A.
Molecular consequence: intron variant. On other transcripts: missense variant (1).
Genome position (GRCh38, 1-based): chr2:54,558,866, G>A. VCF-style: chr2-54558866-G-A. GRCh37 (hg19) VCF-style: chr2-54786003-G-A.
Other names: c.88G>A, p.Gly30Ser (NM_178313.3); short protein forms G30S.
Identifiers: ClinVar variation 4688061 (VCV004688061.1).

ClinVar aggregate classification (germline): Likely benign (1 of 4 stars; one submission).

Conditions:
Developmental delay, impaired speech, and behavioral abnormalities. Identifiers: MedGen C5561957, MONDO:0859178, OMIM 619475.

gnomAD v4.1: 11 of 1,613,712 alleles (0.00068%); highest among the groups gnomAD compares: South Asian, 0.011%; no homozygotes.

Submission:

Centre for Medical Genetics,  Mumbai
Classification: Likely benign for Developmental delay, impaired speech, and behavioral abnormalities. Last evaluated: 2026-01-30. Review status: criteria provided, single submitter. Criteria: ACMG Guidelines, 2015. Collection method: provider interpretation. Allele origin: germline. Inheritance: Autosomal dominant inheritance. Affected: no. Observed: 1 heterozygote.
Comment: The variant satisfies PM2 criteria; Extremely low frequency in gnomAD population databases. The variant satisfies PP2 criteria; Missense variant in a gene with low rate of benign missense mutations and for which missense mutation is a common mechanism of a disease. However, the variant satisfies BS2 criteria.

Literature cited by the submitters: PubMed 34211179.